The following is an entry in ClinVar:

ClinVar aggregate classification (germline): Conflicting classifications of pathogenicity. Review status: criteria provided, conflicting classifications (1 of 4 stars). 4 submissions from 4 submitters: Pathogenic (1); Likely pathogenic (1); Uncertain significance (2). Last evaluated 2025-09-18.

Conditions:
Meckel-Gruber syndrome. Also called: DYSENCEPHALIA SPLANCHNOCYSTICA; GRUBER SYNDROME; Dysencephalia splachnocystica. Identifiers: Orphanet 564, MedGen C0265215, MONDO:0018921.
Joubert syndrome. Also called: CEREBELLOPARENCHYMAL DISORDER IV; JOUBERT-BOLTSHAUSER SYNDROME; Familial aplasia of the vermis. Identifiers: Orphanet 475, MedGen C5979921, MONDO:0018772.
COACH syndrome 1. Identifiers: Orphanet 1454, MedGen C5435651, MONDO:0800103, OMIM 216360, MONDO:0008996.
Nephronophthisis 11 (NPHP11). Identifiers: Orphanet 84081, MedGen C3150796, MONDO:0013302, OMIM 613550.
RHYNS syndrome. Also called: RETINITIS PIGMENTOSA SYNDROME; RETINITIS PIGMENTOSA, HYPOPITUITARISM, NEPHRONOPHTHISIS, AND MILD SKELETAL DYSPLASIA. Identifiers: Orphanet 140976, MedGen C1865794, MONDO:0011202, OMIM 602152.
Bardet-Biedl syndrome 14 (BBS14). Identifiers: Orphanet 110, MedGen C2673874, MONDO:0014442, OMIM 615991.
Joubert syndrome 6 (JBTS6). Identifiers: Orphanet 475, MedGen C1853153, MONDO:0012539, OMIM 610688.
Meckel syndrome, type 3 (MKS3). Also called: MECKEL-GRUBER SYNDROME, TYPE 3. Identifiers: Orphanet 564, MedGen C1846357, MONDO:0011821, OMIM 607361.
Joubert syndrome and related disorders. Identifiers: Orphanet 140874, MedGen C5679612, MONDO:0015369.

Allele frequency attached by ClinVar (database versions not stated): gnomAD exomes below 0.00001 and 0.00001; TOPMed below 0.00001; gnomAD 0.00001; ExAC 0.00002.
gnomAD v4.1: 3 of 1,611,050 alleles (0.00019%); highest among the groups gnomAD compares: African/African-American, 0.0027%; no homozygotes.

Submissions (4):

Women's Health and Genetics/Laboratory Corporation of America, LabCorp
Classification: Likely pathogenic for Joubert syndrome and related disorders. Last evaluated: 2025-09-18. Review status: criteria provided, single submitter. Criteria: LabCorp Variant Classification Summary - May 2015. Collection method: clinical testing. Allele origin: germline.
Comment: Variant summary: TMEM67 c.638G>A (p.Arg213His) results in a non-conservative amino acid change in the encoded protein sequence. Algorithms developed to predict the effect of missense changes on protein structure and function all suggest that this variant is likely to be disruptive. The variant allele was found at a frequency of 8e-06 in 251344 control chromosomes. c.638G>A has been observed in at least one compound heterozygous individual affected with Joubert Syndrome And Related Disorders (Internal data). These data do not allow any conclusion about variant significance. To our knowledge, no experimental evidence demonstrating an impact on protein function has been reported. A different variant affecting the same codon (c.637C>T, p.Arg213Cys) has been classified as Pathogenic/Likely pathogenic in ClinVar, suggesting a critical role of codon 213 in TMEM67 protein function. ClinVar contains an entry for this variant (Variation ID: 461772). Based on the evidence outlined above, the variant was classified as likely pathogenic.

Fulgent Genetics
Classification: Uncertain significance for COACH syndrome 1; RHYNS syndrome; Meckel syndrome, type 3; Joubert syndrome 6; Nephronophthisis 11; Bardet-Biedl syndrome 14. Last evaluated: 2024-03-08. Review status: criteria provided, single submitter. Criteria: ACMG Guidelines, 2015. Collection method: clinical testing. Allele origin: germline.

Labcorp Genetics (formerly Invitae), Labcorp
Classification: Pathogenic for Joubert syndrome; Meckel-Gruber syndrome. Last evaluated: 2024-02-23. Review status: criteria provided, single submitter. Criteria: Invitae Variant Classification Sherloc (09022015). Collection method: clinical testing. Allele origin: germline.
Comment: This sequence change replaces arginine, which is basic and polar, with histidine, which is basic and polar, at codon 213 of the TMEM67 protein (p.Arg213His). This variant is present in population databases (rs770605718, gnomAD 0.01%). This missense change has been observed in individual(s) with clinical features of Joubert syndrome (Invitae). In at least one individual the data is consistent with being in trans (on the opposite chromosome) from a pathogenic variant. ClinVar contains an entry for this variant (Variation ID: 461772). Advanced modeling of protein sequence and biophysical properties (such as structural, functional, and spatial information, amino acid conservation, physicochemical variation, residue mobility, and thermodynamic stability) has been performed at Invitae for this missense variant, however the output from this modeling did not meet the statistical confidence thresholds required to predict the impact of this variant on TMEM67 protein function. This variant disrupts the p.Arg213 amino acid residue in TMEM67. Other variant(s) that disrupt this residue have been determined to be pathogenic (PMID: 17160906, 31730820, 34032358). This suggests that this residue is clinically significant, and that variants that disrupt this residue are likely to be disease-causing. For these reasons, this variant has been classified as Pathogenic.

Laboratorio de Genetica e Diagnostico Molecular, Hospital Israelita Albert Einstein
Classification: Uncertain significance for Joubert syndrome 6. Last evaluated: 2022-01-19. Review status: criteria provided, single submitter. Criteria: ACMG Guidelines, 2015. Collection method: clinical testing. Allele origin: germline. Affected: yes.
Comment: ACMG classification criteria: PM2 moderate, BP4 supporting

Literature cited by the submitters: PubMed 17160906 (cited by Labcorp Genetics (formerly Invitae), Labcorp); PubMed 31730820 (cited by Labcorp Genetics (formerly Invitae), Labcorp); PubMed 34032358 (cited by Labcorp Genetics (formerly Invitae), Labcorp).

NM_153704.6(TMEM67):c.638G>A (p.Arg213His)

Gene: TMEM67 (transmembrane protein 67; plus strand). Cytogenetic location: 8q22.1.
Variant type: single nucleotide variant.
Coding change: c.638G>A on transcript NM_153704.6 (MANE Select); coding-DNA position 638, G replaced by A.
Protein change: p.Arg213His; replaces arginine 213 with histidine.
Molecular consequence: missense variant. On other transcripts: non-coding transcript variant (1).
Genome position (GRCh38, 1-based): chr8:93,765,633, G>A. VCF-style: chr8-93765633-G-A. GRCh37 (hg19) VCF-style: chr8-94777861-G-A.
Other names: c.395G>A, p.Arg132His (NM_001142301.1); short protein forms R213H, R132H.
Identifiers: ClinVar variation 461772 (VCV000461772.16), dbSNP rs770605718, ClinGen allele CA4807723.
Genomic context (GRCh38, chr8:93,765,633, plus strand): 5'-CAGGGGGATTATGTTTCAGCAGCACAGGGAATTTTCCTCTACGTAGAATTTCAGCTGCAC[G>A]TTATGGAGAAGTTGTGAGTATGTTTCAATTTTTTTGTTCTGTTGTTAAAAAACTTTCTAC-3'
Protein context (NP_714915.3, residues 203-223): NFPLRRISAA[Arg213His]YGEVGMSLTS